The following is an entry in ClinVar:

NM_002478.5(MYOD1):c.819C>T (p.Asp273=)

Gene: MYOD1 (myogenic differentiation 1; plus strand). Cytogenetic location: 11p15.1.
Variant type: single nucleotide variant.
Coding change: c.819C>T on transcript NM_002478.5 (MANE Select); coding-DNA position 819, C replaced by T.
Protein change: p.Asp273=; no amino-acid change (aspartic acid 273 retained).
Molecular consequence: synonymous variant.
Genome position (GRCh38, 1-based): chr11:17,721,364, C>T. VCF-style: chr11-17721364-C-T. GRCh37 (hg19) VCF-style: chr11-17742911-C-T.
Identifiers: ClinVar variation 2641658 (VCV002641658.24), dbSNP rs776651946, ClinGen allele CA5906582.

ClinVar aggregate classification (germline): Likely benign (1 of 4 stars; one submission).

Allele frequency attached by ClinVar (database versions not stated): TOPMed 0.00001; gnomAD 0.00002; gnomAD exomes 0.00003; ExAC 0.00009.

Submission:

CeGaT Center for Human Genetics Tuebingen
Classification: Likely benign. Last evaluated: 2022-11-01. Review status: criteria provided, single submitter. Criteria: CeGaT Center For Human Genetics Tuebingen Variant Classification Criteria Version 2. Collection method: clinical testing. Allele origin: germline. Affected: yes. Observed: 1 variant allele.
Comment: MYOD1: BP4, BP7